The following is an entry in ClinVar:

NM_001270508.2(TNFAIP3):c.2088+2del

Gene: TNFAIP3 (TNF alpha induced protein 3; plus strand). Cytogenetic location: 6q23.3.
Variant type: Deletion.
Coding change: c.2088+2del on transcript NM_001270508.2 (MANE Select); the canonical splice donor site of the intron after coding-DNA position 2088, one base deleted (T; older notation c.2088+2delT).
Molecular consequence: splice donor variant.
Genome position (GRCh38, 1-based): chr6:137,880,254, T deleted. VCF-style (leftmost placement, unchanged base first): chr6-137880253-GT-G. GRCh37 (hg19) VCF-style: chr6-138201390-GT-G.
Other names: c.2088+2del (NM_001270507.2, NM_006290.4).
Identifiers: ClinVar variation 4716416 (VCV004716416.1).

ClinVar aggregate classification (germline): Uncertain significance (1 of 4 stars; one submission).

Submission:

Labcorp Genetics (formerly Invitae), Labcorp
Classification: Uncertain significance. Last evaluated: 2025-04-13. Review status: criteria provided, single submitter. Criteria: Invitae Variant Classification Sherloc (09022015). Collection method: clinical testing. Allele origin: germline.
Comment: This sequence change affects a splice site in intron 8 of the TNFAIP3 gene. While this variant is not anticipated to result in nonsense mediated decay, it likely alters RNA splicing and results in a disrupted protein product. This variant is not present in population databases (gnomAD no frequency). This variant has not been reported in the literature in individuals affected with TNFAIP3-related conditions. Variants that disrupt the consensus splice site are a relatively common cause of aberrant splicing (PMID: 17576681, 9536098). Algorithms developed to predict the effect of sequence changes on RNA splicing suggest that this variant may disrupt the consensus splice site. In summary, the available evidence is currently insufficient to determine the role of this variant in disease. Therefore, it has been classified as a Variant of Uncertain Significance.

Literature cited by the submitters: PubMed 17576681; PubMed 9536098.